The following is an entry in ClinVar:

NM_001458.5(FLNC):c.353-265A>G

Gene: FLNC (filamin C; plus strand). Cytogenetic location: 7q32.1.
Variant type: single nucleotide variant.
Coding change: c.353-265A>G on transcript NM_001458.5 (MANE Select); 265 bases into the intron before coding-DNA position 353, A replaced by G.
Molecular consequence: intron variant.
Genome position (GRCh38, 1-based): chr7:128,835,061, A>G. VCF-style: chr7-128835061-A-G. GRCh37 (hg19) VCF-style: chr7-128475115-A-G.
Other names: c.353-265A>G (NM_001127487.2).
Identifiers: ClinVar variation 669440 (VCV000669440.1), dbSNP rs4731518, ClinGen allele CA166212502.

ClinVar aggregate classification (germline): Likely benign (1 of 4 stars; one submission).

Allele frequency attached by ClinVar (database versions not stated): 1000 Genomes Project 0.01298; 1000 Genomes Project 30x 0.01468; TOPMed 0.02357; gnomAD 0.02546 and 0.02573.
gnomAD v4.1: 3,925 of 152,362 alleles (2.6%); highest among the groups gnomAD compares: Middle Eastern, 8.2%; 83 homozygotes.

Submission:

GeneDx
Classification: Likely benign. Last evaluated: 2018-06-14. Review status: criteria provided, single submitter. Criteria: GeneDx Variant Classification (06012015). Collection method: clinical testing. Allele origin: germline. Affected: yes.
Comment: This variant is considered likely benign or benign based on one or more of the following criteria: it is a conservative change, it occurs at a poorly conserved position in the protein, it is predicted to be benign by multiple in silico algorithms, and/or has population frequency not consistent with disease.